The following is an entry in ClinVar:

NM_000257.4(MYH7):c.2810C>G (p.Thr937Ser)

Gene: MYH7 (myosin heavy chain 7; minus strand). Cytogenetic location: 14q11.2.
Variant type: single nucleotide variant.
Coding change: c.2810C>G on transcript NM_000257.4 (MANE Select); coding-DNA position 2810, C replaced by G.
Protein change: p.Thr937Ser; replaces threonine 937 with serine.
Molecular consequence: missense variant.
Genome position (GRCh38, 1-based): chr14:23,424,019, G>C on the plus strand (C>G on the coding strand, the complement: MYH7 is on the minus strand). VCF-style: chr14-23424019-G-C. GRCh37 (hg19) VCF-style: chr14-23893228-G-C.
Other names: c.2810C>G, p.Thr937Ser (NM_001407004.1); short protein forms T937S.
Identifiers: ClinVar variation 2022342 (VCV002022342.4), dbSNP rs2138663538, ClinGen allele CA389046971.

ClinVar aggregate classification (germline): Uncertain significance (1 of 4 stars; one submission).

Conditions:
Hypertrophic cardiomyopathy. Also called: HYPERTROPHIC MYOCARDIOPATHY. Identifiers: Orphanet 217569, MedGen C0007194, MeSH D002312, MONDO:0005045, HP:0001639.

Submission:

Labcorp Genetics (formerly Invitae), Labcorp
Classification: Uncertain significance for Hypertrophic cardiomyopathy. Last evaluated: 2024-10-22. Review status: criteria provided, single submitter. Criteria: Invitae Variant Classification Sherloc (09022015). Collection method: clinical testing. Allele origin: germline.
Comment: This sequence change replaces threonine, which is neutral and polar, with serine, which is neutral and polar, at codon 937 of the MYH7 protein (p.Thr937Ser). This variant is not present in population databases (gnomAD no frequency). This variant has not been reported in the literature in individuals affected with MYH7-related conditions. ClinVar contains an entry for this variant (Variation ID: 2022342). Invitae Evidence Modeling of protein sequence and biophysical properties (such as structural, functional, and spatial information, amino acid conservation, physicochemical variation, residue mobility, and thermodynamic stability) indicates that this missense variant is expected to disrupt MYH7 protein function with a positive predictive value of 95%. In summary, the available evidence is currently insufficient to determine the role of this variant in disease. Therefore, it has been classified as a Variant of Uncertain Significance.